The following is an entry in ClinVar:

NM_174912.4(FAAH2):c.1294G>T (p.Glu432Ter)

Gene: FAAH2 (fatty acid amide hydrolase 2; plus strand). Cytogenetic location: Xp11.21.
Variant type: single nucleotide variant.
Coding change: c.1294G>T on transcript NM_174912.4 (MANE Select); coding-DNA position 1294, G replaced by T.
Protein change: p.Glu432Ter; replaces glutamic acid 432 with a stop codon.
Molecular consequence: nonsense. On other transcripts: non-coding transcript variant (2).
Genome position (GRCh38, 1-based): chrX:57,448,589, G>T. VCF-style: chrX-57448589-G-T. GRCh37 (hg19) VCF-style: chrX-57475022-G-T.
Other names: NC_000023.10:g.57475022G>T; c.1174G>T, p.Glu392Ter (NM_001353840.1); c.1084G>T, p.Glu362Ter (NM_001353841.1); short protein forms E362*, E392*, E432*.
Identifiers: ClinVar variation 3048401 (VCV003048401.3), dbSNP rs144419744, ClinGen allele CA10430895.
Genomic context (GRCh38, chrX:57,448,589, plus strand): 5'-GCTTTGTTGGAAGAAAAGCTCAGATATAGCAATGAGAAATACCAAAAGTTTAAGGCAGTG[G>T]AAGAAAGCCTGCGTAAAGAGCTGGTGGATATGCTAGGTGATGATGGTGTGTTCTTATATC-3'

ClinVar aggregate classification (germline): Likely benign (0 of 4 stars; one submission).

Conditions:
FAAH2-related disorder. Also called: FAAH2-related condition.

Allele frequency attached by ClinVar (database versions not stated): 1000 Genomes Project 0.00026; 1000 Genomes Project 30x 0.00083; ExAC 0.00126; ESP Exome Variant Server 0.00189; gnomAD exomes 0.00285.
gnomAD v4.1: 3,296 of 1,209,792 alleles (0.27%); highest among the groups gnomAD compares: Non-Finnish European, 0.34%; 3 homozygotes.

Submissions (11):

PreventionGenetics, part of Exact Sciences
Classification: Likely benign for FAAH2-related condition. Last evaluated: 2020-02-27. Review status: no assertion criteria provided. Collection method: clinical testing. Allele origin: germline.
Comment: This variant is classified as likely benign based on ACMG/AMP sequence variant interpretation guidelines (Richards et al. 2015 PMID: 25741868, with internal and published modifications).

Dr. Peter K. Rogan Lab, Western University
No classification provided (evidence only). Condition: Clear cell carcinoma of kidney. Review status: no classification provided. Collection method: in vitro. Allele origin: not applicable. Functional consequence: skipped exon. Not counted in ClinVar's aggregate classification.

Dr. Peter K. Rogan Lab, Western University
No classification provided (evidence only). Condition: Familial cancer of breast. Review status: no classification provided. Collection method: in vitro. Allele origin: not applicable. Functional consequence: skipped exon. Not counted in ClinVar's aggregate classification.

Dr. Peter K. Rogan Lab, Western University
No classification provided (evidence only). Condition: Familial cancer of breast. Review status: no classification provided. Collection method: in vitro. Allele origin: not applicable. Functional consequence: skipped exon. Not counted in ClinVar's aggregate classification.

Dr. Peter K. Rogan Lab, Western University
No classification provided (evidence only). Condition: Thyroid cancer, nonmedullary, 1. Review status: no classification provided. Collection method: in vitro. Allele origin: not applicable. Functional consequence: skipped exon. Not counted in ClinVar's aggregate classification.

Dr. Peter K. Rogan Lab, Western University
No classification provided (evidence only). Condition: Thyroid cancer, nonmedullary, 1. Review status: no classification provided. Collection method: in vitro. Allele origin: not applicable. Functional consequence: retained intron. Not counted in ClinVar's aggregate classification.

Dr. Peter K. Rogan Lab, Western University
No classification provided (evidence only). Condition: Cervical cancer. Review status: no classification provided. Collection method: in vitro. Allele origin: not applicable. Functional consequence: skipped exon. Not counted in ClinVar's aggregate classification.

Dr. Peter K. Rogan Lab, Western University
No classification provided (evidence only). Condition: Cervical cancer. Review status: no classification provided. Collection method: in vitro. Allele origin: not applicable. Functional consequence: skipped exon. Not counted in ClinVar's aggregate classification.

Dr. Peter K. Rogan Lab, Western University
No classification provided (evidence only). Condition: Sarcoma. Review status: no classification provided. Collection method: in vitro. Allele origin: not applicable. Functional consequence: skipped exon. Not counted in ClinVar's aggregate classification.

Dr. Peter K. Rogan Lab, Western University
No classification provided (evidence only). Condition: Hepatocellular carcinoma. Review status: no classification provided. Collection method: in vitro. Allele origin: not applicable. Functional consequence: skipped exon. Not counted in ClinVar's aggregate classification.

Dr. Peter K. Rogan Lab, Western University
No classification provided (evidence only). Condition: Hepatocellular carcinoma. Review status: no classification provided. Collection method: in vitro. Allele origin: not applicable. Functional consequence: skipped exon. Not counted in ClinVar's aggregate classification.